The following is an entry in ClinVar:

ClinVar aggregate classification (germline): Uncertain significance (1 of 4 stars; one submission).

Submission:

GeneDx
Classification: Uncertain significance. Last evaluated: 2026-09-07. Review status: criteria provided, single submitter. Criteria: GeneDx Variant Classification Process June 2021. Collection method: clinical testing. Allele origin: germline.
Comment: Not observed at significant frequency in large population cohorts (gnomAD); In silico analysis indicates that this missense variant does not alter protein structure/function; Has not been previously published as pathogenic or benign to our knowledge

NM_001256071.3(RNF213):c.4725G>T (p.Glu1575Asp)

Gene: RNF213 (ring finger protein 213; plus strand). Cytogenetic location: 17q25.3.
Variant type: single nucleotide variant.
Coding change: c.4725G>T on transcript NM_001256071.3 (MANE Select); coding-DNA position 4725, G replaced by T.
Protein change: p.Glu1575Asp; replaces glutamic acid 1575 with aspartic acid.
Molecular consequence: missense variant.
Genome position (GRCh38, 1-based): chr17:80,337,889, G>T. VCF-style: chr17-80337889-G-T. GRCh37 (hg19) VCF-style: chr17-78311689-G-T.
Other names: c.4872G>T, p.Glu1624Asp (NM_001410195.1, NM_020914.5); short protein forms E1575D, E1624D.
Identifiers: ClinVar variation 3769676 (VCV003769676.2).